The following is an entry in ClinVar:

NM_024665.7(TBL1XR1):c.941_943del (p.Val314del)

Genes: TBL1XR1 (TBL1X/Y related 1; minus strand), TBL1XR1-AS1 (TBL1XR1 antisense RNA 1; plus strand), LOC126806878 (CDK7 strongly-dependent group 2 enhancer GRCh37_chr3:176755168-176756367; plus strand). Cytogenetic location: 3q26.32.
Variant type: Deletion.
Coding change: c.941_943del on transcript NM_024665.7 (MANE Select); coding-DNA positions 941 to 943, 3 bases deleted (TTG; older notation c.941_943delTTG).
Protein change: p.Val314del; deletes valine 314.
Molecular consequence: inframe deletion.
Genome position (GRCh38, 1-based): chr3:177,038,417-177,038,419, CAA deleted on the plus strand (TTG on the coding strand, the reverse complement: TBL1XR1 is on the minus strand); deleting any 3 consecutive bases within chr3:177,038,417-177,038,421 gives the same sequence; the c. name uses the placement nearest the transcript's 3' end. VCF-style (leftmost placement, unchanged base first): chr3-177038416-TCAA-T. GRCh37 (hg19) VCF-style: chr3-176756204-TCAA-T.
Other names: c.941_943del, p.Val314del (NM_001374329.1, NM_001321193.3, NM_001321194.3 and 2 more transcripts); c.680_682del, p.Val227del (NM_001374330.1, NM_001321195.3); c.941_943delTTG (NM_024665.4); short protein forms V314del, V227del.
Identifiers: ClinVar variation 452352 (VCV000452352.5), dbSNP rs1553810271, ClinGen allele CA658657347.

ClinVar aggregate classification (germline): Likely pathogenic (1 of 4 stars; one submission).

Conditions:
TBL1XR1-related disorder. Also called: TBL1XR1-related condition; TBL1XR1-related disorders. Identifiers: MedGen CN382633, MONDO:1060313.

Submission:

GeneDx
Classification: Likely pathogenic. Last evaluated: 2020-01-03. Review status: criteria provided, single submitter. Criteria: GeneDx Variant Classification Process June 2021. Collection method: clinical testing. Allele origin: germline. Affected: yes.
Comment: Not observed in large population cohorts (Lek et al., 2016); In-frame deletion of 1 amino acids in a non-repeat region; In silico analysis, which includes protein predictors and evolutionary conservation, supports a deleterious effect; Has not been previously published as pathogenic or benign to our knowledge